The following is an entry in ClinVar:

NM_000141.5(FGFR2):c.1911C>T (p.Asn637=)

Gene: FGFR2 (fibroblast growth factor receptor 2; minus strand). Cytogenetic location: 10q26.13.
Variant type: single nucleotide variant.
Coding change: c.1911C>T on transcript NM_000141.5 (MANE Select); coding-DNA position 1911, C replaced by T.
Protein change: p.Asn637=; no amino-acid change (asparagine 637 retained).
Molecular consequence: synonymous variant. On other transcripts: non-coding transcript variant (1).
Genome position (GRCh38, 1-based): chr10:121,488,066, G>A on the plus strand (C>T on the coding strand, the complement: FGFR2 is on the minus strand). VCF-style: chr10-121488066-G-A. GRCh37 (hg19) VCF-style: chr10-123247580-G-A.
Other names: c.1227C>T, p.Asn409= (NM_001320654.2); c.1905C>T, p.Asn635= (NM_001320658.2); c.1914C>T, p.Asn638= (NM_022970.4, NM_001144913.1); c.1644C>T, p.Asn548= (NM_023029.3, NM_001144915.2); c.1575C>T, p.Asn525= (NM_001144914.1); c.1566C>T, p.Asn522= (NM_001144916.2); c.1563C>T, p.Asn521= (NM_001144917.2); c.1560C>T, p.Asn520= (NM_001144918.2); and 1 more.
Identifiers: ClinVar variation 703147 (VCV000703147.24), dbSNP rs149008039, ClinGen allele CA5720611.

ClinVar aggregate classification (germline): Likely benign. Review status: criteria provided, multiple submitters, no conflicts (2 of 4 stars). 4 submissions from 4 submitters: Likely benign (3). 1 of the submissions does not count toward it. Last evaluated 2026-02-01.

Conditions:
FGFR2-related disorder. Identifiers: MedGen CN380096.
Acrocephalosyndactyly type I (ACS1). Also called: Apert syndrome; Acrocephalo-syndactyly type 1; ACS 1; Syndactylic oxycephaly. Identifiers: Orphanet 87, MedGen C0001193, MONDO:0007041, OMIM 101200.
Bent bone dysplasia syndrome 1 (BBDS1). Also called: FGFR2-related bent bone dysplasia. Identifiers: Orphanet 313855, MedGen C3281247, MONDO:0013815, OMIM 614592.
Beare-Stevenson cutis gyrata syndrome (BSTVS). Identifiers: Orphanet 1555, MedGen C1852406, MONDO:0007412, OMIM 123790.
Antley-Bixler syndrome without genital anomalies or disordered steroidogenesis (ABS2). Also called: Trapezoidocephaly synostosis syndrome; Osteodysgenesis, multisynostotic with fractures; MULTISYNOSTOTIC OSTEODYSGENESIS WITH LONG BONE FRACTURES; Antley-Bixler Syndrome, Autosomal Dominant. Identifiers: Orphanet 596008, Orphanet 83, MedGen C2936791, MONDO:0020667, OMIM 207410.
Crouzon syndrome. Also called: Craniofacial dysostosis type 1; Crouzon craniofacial dysostosis; Crouzon disease; CRANIOFACIAL DYSOSTOSIS, TYPE I; Craniofacial dysostosis. Identifiers: Orphanet 207, MedGen C0010273, MeSH D003394, MONDO:0007405, OMIM 123500, HP:0004439.
Gastric cancer. Also called: Stomach cancer; Malignant tumor of stomach. Identifiers: MedGen C0024623, MeSH D013274, MONDO:0001056, OMIM 613659, HP:0012126.
Jackson-Weiss syndrome (JWS). Also called: CRANIOSYNOSTOSIS, MIDFACIAL HYPOPLASIA, AND FOOT ABNORMALITIES. Identifiers: Orphanet 1540, MedGen C0795998, MONDO:0007400, OMIM 123150. Disease mechanism: loss of function.
Levy-Hollister syndrome (LADD). Also called: LADD syndrome. Identifiers: Orphanet 2363, MedGen C0265269, MONDO:0007872.
Saethre-Chotzen syndrome (SCS). Also called: ACROCEPHALY, SKULL ASYMMETRY, AND MILD SYNDACTYLY; ACS III; CHOTZEN SYNDROME. Identifiers: Orphanet 794, MedGen C0175699, MONDO:0007042, OMIM 101400.
Familial scaphocephaly syndrome, McGillivray type. Also called: SCAPHOCEPHALY, MAXILLARY RETRUSION, AND IMPAIRED INTELLECTUAL DEVELOPMENT. Identifiers: Orphanet 168624, MedGen C1865070, MONDO:0012307, OMIM 609579.
Pfeiffer syndrome (ACS5). Also called: ACS V. Identifiers: Orphanet 710, MedGen C0220658, MONDO:0007043, OMIM 101600.
FGFR2-related craniosynostosis. Identifiers: MedGen CN231480.

Allele frequency attached by ClinVar (database versions not stated): gnomAD exomes 0.00002 and 0.00006; ExAC 0.00008; TOPMed 0.00020; ESP Exome Variant Server 0.00023; gnomAD 0.00025 and 0.00026; 1000 Genomes Project 0.00060; 1000 Genomes Project 30x 0.00078.
gnomAD v4.1: 76 of 1,613,972 alleles (0.0047%); highest among the groups gnomAD compares: African/African-American, 0.087%; no homozygotes.

Submissions (4):

Labcorp Genetics (formerly Invitae), Labcorp
Classification: Likely benign for FGFR2-related craniosynostosis. Last evaluated: 2026-02-01. Review status: criteria provided, single submitter. Criteria: Invitae Variant Classification Sherloc (09022015). Collection method: clinical testing. Allele origin: germline.

Fulgent Genetics
Classification: Likely benign for Acrocephalosyndactyly type I; Saethre-Chotzen syndrome; Pfeiffer syndrome; Jackson-Weiss syndrome; Crouzon syndrome; Beare-Stevenson cutis gyrata syndrome; LADD syndrome 1; Antley-Bixler syndrome without genital anomalies or disordered steroidogenesis; Familial scaphocephaly syndrome, McGillivray type; Gastric cancer; Bent bone dysplasia syndrome 1. Last evaluated: 2021-12-15. Review status: criteria provided, single submitter. Criteria: ACMG Guidelines, 2015. Collection method: clinical testing. Allele origin: unknown.

GeneDx
Classification: Likely benign. Last evaluated: 2021-04-17. Review status: criteria provided, single submitter. Criteria: GeneDx Variant Classification Process June 2021. Collection method: clinical testing. Allele origin: germline. Affected: yes.

PreventionGenetics, part of Exact Sciences
Classification: Likely benign for FGFR2-related condition. Last evaluated: 2023-12-26. Review status: no assertion criteria provided. Collection method: clinical testing. Allele origin: germline. Not counted in ClinVar's aggregate classification.
Comment: This variant is classified as likely benign based on ACMG/AMP sequence variant interpretation guidelines (Richards et al. 2015 PMID: 25741868, with internal and published modifications).